The following is an entry in ClinVar:

ClinVar aggregate classification (germline): Likely benign (0 of 4 stars; one submission).

Conditions:
HS6ST1-related disorder. Also called: HS6ST1-related condition.

Allele frequency attached by ClinVar (database versions not stated): gnomAD 0.00007; gnomAD exomes 0.00009; 1000 Genomes Project 30x 0.00016; 1000 Genomes Project 0.00020; ExAC 0.00022.
gnomAD v4.1: 135 of 1,601,548 alleles (0.0084%); highest among the groups gnomAD compares: South Asian, 0.14%; 1 homozygote.

Submission:

PreventionGenetics, part of Exact Sciences
Classification: Likely benign for HS6ST1-related condition. Last evaluated: 2019-02-22. Review status: no assertion criteria provided. Collection method: clinical testing. Allele origin: germline.
Comment: This variant is classified as likely benign based on ACMG/AMP sequence variant interpretation guidelines (Richards et al. 2015 PMID: 25741868, with internal and published modifications).

NM_004807.3(HS6ST1):c.147G>A (p.Ala49=)

Gene: HS6ST1 (heparan sulfate 6-O-sulfotransferase 1; minus strand). Cytogenetic location: 2q14.3.
Variant type: single nucleotide variant.
Coding change: c.147G>A on transcript NM_004807.3 (MANE Select); coding-DNA position 147, G replaced by A.
Protein change: p.Ala49=; no amino-acid change (alanine 49 retained).
Molecular consequence: synonymous variant.
Genome position (GRCh38, 1-based): chr2:128,318,417, C>T on the plus strand (G>A on the coding strand, the complement: HS6ST1 is on the minus strand). VCF-style: chr2-128318417-C-T. GRCh37 (hg19) VCF-style: chr2-129075991-C-T.
Identifiers: ClinVar variation 3057559 (VCV003057559.2), dbSNP rs541048846, ClinGen allele CA1867687.